The following is an entry in ClinVar:

NM_001378477.3(NYX):c.242C>G (p.Pro81Arg)

Gene: NYX (nyctalopin; plus strand). Cytogenetic location: Xp11.4.
Variant type: single nucleotide variant.
Coding change: c.242C>G on transcript NM_001378477.3 (MANE Select); coding-DNA position 242, C replaced by G.
Protein change: p.Pro81Arg; replaces proline 81 with arginine.
Molecular consequence: missense variant.
Genome position (GRCh38, 1-based): chrX:41,473,710, C>G. VCF-style: chrX-41473710-C-G. GRCh37 (hg19) VCF-style: chrX-41332963-C-G.
Other names: c.242C>G, p.Pro81Arg (NM_022567.3); short protein forms P81R.
Identifiers: ClinVar variation 2827013 (VCV002827013.3), dbSNP rs770413717, ClinGen allele CA412989694.

ClinVar aggregate classification (germline): Uncertain significance (1 of 4 stars; one submission).

Submission:

Labcorp Genetics (formerly Invitae), Labcorp
Classification: Uncertain significance. Last evaluated: 2023-01-08. Review status: criteria provided, single submitter. Criteria: Invitae Variant Classification Sherloc (09022015). Collection method: clinical testing. Allele origin: germline.
Comment: This variant is not present in population databases (gnomAD no frequency). In summary, the available evidence is currently insufficient to determine the role of this variant in disease. Therefore, it has been classified as a Variant of Uncertain Significance. Advanced modeling of protein sequence and biophysical properties (such as structural, functional, and spatial information, amino acid conservation, physicochemical variation, residue mobility, and thermodynamic stability) performed at Invitae indicates that this missense variant is not expected to disrupt NYX protein function. This variant has not been reported in the literature in individuals affected with NYX-related conditions. This sequence change replaces proline, which is neutral and non-polar, with arginine, which is basic and polar, at codon 86 of the NYX protein (p.Pro86Arg).